The following is an entry in ClinVar:

ClinVar aggregate classification (germline): Conflicting classifications of pathogenicity. Review status: criteria provided, conflicting classifications (1 of 4 stars). 2 submissions from 2 submitters: Likely pathogenic (1); Uncertain significance (1). Last evaluated 2022-02-12.

Allele frequency attached by ClinVar (database versions not stated): gnomAD exomes below 0.00001; ExAC 0.00001.

Submissions (2):

Labcorp Genetics (formerly Invitae), Labcorp
Classification: Uncertain significance. Last evaluated: 2022-02-12. Review status: criteria provided, single submitter. Criteria: Invitae Variant Classification Sherloc (09022015). Collection method: clinical testing. Allele origin: germline.
Comment: This sequence change replaces arginine, which is basic and polar, with cysteine, which is neutral and slightly polar, at codon 246 of the ASNS protein (p.Arg246Cys). The frequency data for this variant in the population databases is considered unreliable, as metrics indicate poor data quality at this position in the gnomAD database. This variant has not been reported in the literature in individuals affected with ASNS-related conditions. ClinVar contains an entry for this variant (Variation ID: 992883). Advanced modeling of protein sequence and biophysical properties (such as structural, functional, and spatial information, amino acid conservation, physicochemical variation, residue mobility, and thermodynamic stability) performed at Invitae indicates that this missense variant is expected to disrupt ASNS protein function. In summary, the available evidence is currently insufficient to determine the role of this variant in disease. Therefore, it has been classified as a Variant of Uncertain Significance.

Laboratoire de Génétique Moléculaire, CHU Bordeaux
Classification: Likely pathogenic. Review status: criteria provided, single submitter. Criteria: ACMG Guidelines, 2015. Collection method: clinical testing. Allele origin: germline. Affected: yes.

NM_001673.5(ASNS):c.736C>T (p.Arg246Cys)

Genes: ASNS (asparagine synthetase (glutamine-hydrolyzing); minus strand), CZ1P-ASNS (CZ1P-ASNS readthrough; minus strand). Cytogenetic location: 7q21.3.
Variant type: single nucleotide variant.
Coding change: c.736C>T on transcript NM_001673.5 (MANE Select); coding-DNA position 736, C replaced by T.
Protein change: p.Arg246Cys; replaces arginine 246 with cysteine.
Molecular consequence: missense variant. On other transcripts: non-coding transcript variant (1).
Genome position (GRCh38, 1-based): chr7:97,858,893, G>A on the plus strand (C>T on the coding strand, the complement: ASNS is on the minus strand). VCF-style: chr7-97858893-G-A. GRCh37 (hg19) VCF-style: chr7-97488205-G-A.
Other names: c.673C>T, p.Arg225Cys (NM_001178075.2); c.487C>T, p.Arg163Cys (NM_001178076.2, NM_001178077.1); c.736C>T, p.Arg246Cys (NM_001352496.2, NM_133436.3, NM_183356.4); short protein forms R163C, R225C, R246C.
Identifiers: ClinVar variation 992883 (VCV000992883.3), dbSNP rs757828751, ClinGen allele CA4354705.